The following is an entry in ClinVar:

NM_005857.5(ZMPSTE24):c.955-1G>A

Gene: ZMPSTE24 (zinc metallopeptidase STE24; plus strand). Cytogenetic location: 1p34.2.
Variant type: single nucleotide variant.
Coding change: c.955-1G>A on transcript NM_005857.5 (MANE Select); the canonical splice acceptor site of the intron before coding-DNA position 955, G replaced by A.
Molecular consequence: splice acceptor variant.
Genome position (GRCh38, 1-based): chr1:40,285,924, G>A. VCF-style: chr1-40285924-G-A. GRCh37 (hg19) VCF-style: chr1-40751596-G-A.
Identifiers: ClinVar variation 667032 (VCV000667032.4), dbSNP rs764861582, ClinGen allele CA791133.

ClinVar aggregate classification (germline): Uncertain significance (1 of 4 stars; one submission).

Allele frequency attached by ClinVar (database versions not stated): TOPMed 0.00002 and 0.00001; gnomAD 0.00001 and 0.00003; ExAC 0.00002; gnomAD exomes 0.00002.
gnomAD v4.1: 39 of 1,611,366 alleles (0.0024%); highest among the groups gnomAD compares: Non-Finnish European, 0.0032%; no homozygotes.

Submission:

Laboratory for Molecular Medicine, Mass General Brigham Personalized Medicine
Classification: Uncertain significance. Last evaluated: 2018-10-26. Review status: criteria provided, single submitter. Criteria: LMM Criteria. Collection method: clinical testing. Allele origin: germline. Inheritance: Autosomal recessive inheritance. Observed: 1 variant allele.
Comment: Variant classified as Uncertain Significance - Favor Pathogenic. The c.955-1G>A variant in ZMPSTE24 has not been previously reported in individuals with disease but has been identified in 9/125894 European chromosomes by the Genome Aggregat ion Database (gnomAD). Although this variant h as been seen in the general population, its frequency is low enough to be consis tent with a recessive carrier frequency. This variant occurs in the invariant re gion (+/- 1) of the splice consensus sequence and is predicted to cause altered splicing leading to an abnormal or absent protein. Biallelic loss of function of the ZMPSTE24 gene has been associated with lethal restrictive dermatopathy wher eas truncating variants seem to result in less severe progeroid phenotype. In su mmary, while there is some suspicion for a pathogenic role, the clinical signifi cance of the c.955-1G>A variant is uncertain. ACMG/AMP Criteria applied: PVS1_Mo derate, PM2.